The following is an entry in ClinVar:

ClinVar aggregate classification (germline): Conflicting classifications of pathogenicity. Review status: criteria provided, conflicting classifications (1 of 4 stars). 3 submissions from 3 submitters: Pathogenic (1); Likely pathogenic (1); Uncertain significance (1). Last evaluated 2025-07-16.

Conditions:
Neurofibromatosis, type 1 (NF1). Also called: Neurofibromatosis, type I; Peripheral type neurofibromatosis; VON RECKLINGHAUSEN DISEASE; NEUROFIBROMATOSIS, TYPE I, SOMATIC. Identifiers: Orphanet 636, MedGen C0027831, MONDO:0018975, OMIM 162200. Disease mechanism: loss of function.
Hereditary cancer-predisposing syndrome. Also called: Neoplastic Syndromes, Hereditary; Hereditary Cancer Syndrome; Hereditary neoplastic syndrome; Tumor predisposition. Identifiers: Orphanet 140162, MedGen C0027672, MeSH D009386, MONDO:0015356.
Cardiovascular phenotype. Identifiers: MedGen CN230736.

Submissions (3):

GeneDx
Classification: Pathogenic. Last evaluated: 2025-07-16. Review status: criteria provided, single submitter. Criteria: GeneDx Variant Classification Process June 2021. Collection method: clinical testing. Allele origin: germline. Affected: yes.
Comment: Canonical splice site variant predicted to result in a null allele in a gene for which loss of function is a known mechanism of disease; Deletions involving coding exons of this gene are a known mechanism of disease (HGMD); Not observed at significant frequency in large population cohorts (gnomAD); Has not been previously published as pathogenic or benign to our knowledge

Labcorp Genetics (formerly Invitae), Labcorp
Classification: Likely pathogenic for Neurofibromatosis, type 1. Last evaluated: 2024-11-17. Review status: criteria provided, single submitter. Criteria: Invitae Variant Classification Sherloc (09022015). Collection method: clinical testing. Allele origin: germline.
Comment: This sequence change falls in intron 38 of the NF1 gene. It does not directly change the encoded amino acid sequence of the NF1 protein. It affects a nucleotide within the consensus splice site. This variant is not present in population databases (gnomAD no frequency). This variant has been observed in individual(s) with clinical features of NF1-related conditions (internal data). ClinVar contains an entry for this variant (Variation ID: 825936). Variants that disrupt the consensus splice site are a relatively common cause of aberrant splicing (PMID: 17576681, 9536098). Algorithms developed to predict the effect of sequence changes on RNA splicing suggest that this variant may disrupt the consensus splice site. This variant disrupts the c.5749+5G nucleotide in the NF1 gene. Other variant(s) that disrupt this nucleotide have been determined to be pathogenic (PMID: 17311297, 18546366; internal data). This suggests that this nucleotide is clinically significant, and that variants that disrupt this position are likely to be disease-causing. In summary, the currently available evidence indicates that the variant is pathogenic, but additional data are needed to prove that conclusively. Therefore, this variant has been classified as Likely Pathogenic.

Ambry Genetics
Classification: Uncertain significance for Cardiovascular phenotype; Hereditary cancer-predisposing syndrome. Last evaluated: 2018-03-14. Review status: criteria provided, single submitter. Criteria: Ambry Variant Classification Scheme 2023. Collection method: clinical testing. Allele origin: germline.
Comment: The c.5749+2dupT intronic variant, results from a duplication of T two nucleotides downstream of coding exon 38 in the NF1 gene. This region is well conserved in available vertebrate species. Using the BDGP and ESEfinder splice site prediction tools, this alteration is predicted to abolish the native splice donor site; however, direct evidence is unavailable. Since supporting evidence is limited at this time, the clinical significance of this alteration remains unclear.

Literature cited by the submitters: PubMed 17576681 (cited by Labcorp Genetics (formerly Invitae), Labcorp); PubMed 9536098 (cited by Labcorp Genetics (formerly Invitae), Labcorp); PubMed 17311297 (cited by Labcorp Genetics (formerly Invitae), Labcorp); PubMed 18546366 (cited by Labcorp Genetics (formerly Invitae), Labcorp).

NM_001042492.3(NF1):c.5812+2dup

Gene: NF1 (neurofibromin 1; plus strand). Cytogenetic location: 17q11.2.
Variant type: Duplication.
Coding change: c.5812+2dup on transcript NM_001042492.3 (MANE Select); the canonical splice donor site of the intron after coding-DNA position 5812, one base duplicated (T; older notation c.5812+2dupT).
Molecular consequence: splice donor variant.
Genome position (GRCh38, 1-based): chr17:31,330,500, T duplicated. VCF-style (leftmost placement, unchanged base first): chr17-31330499-G-GT. GRCh37 (hg19) VCF-style: chr17-29657517-G-GT.
Other names: c.5749+2dupT (NM_000267.3); c.5749+2dup (NM_000267.4).
Identifiers: ClinVar variation 825936 (VCV000825936.11), dbSNP rs1597834973, ClinGen allele CA915949865.